The following is an entry in ClinVar:

NM_015178.3(RHOBTB2):c.1933_1935delinsTAC (p.Lys645Tyr)

Gene: RHOBTB2 (Rho related BTB domain containing 2; plus strand). Cytogenetic location: 8p21.3.
Variant type: Indel.
Coding change: c.1933_1935delinsTAC on transcript NM_015178.3 (MANE Select); coding-DNA positions 1933 to 1935, AAG replaced by TAC.
Protein change: p.Lys645Tyr; replaces lysine 645 with tyrosine.
Molecular consequence: missense variant.
Genome position (GRCh38, 1-based): chr8:23,015,710-23,015,712, AAG replaced by TAC. VCF-style: chr8-23015710-AAG-TAC. GRCh37 (hg19) VCF-style: chr8-22873223-AAG-TAC.
Other names: c.1999_2001delinsTAC, p.Lys667Tyr (NM_001160036.2); c.1954_1956delinsTAC, p.Lys652Tyr (NM_001160037.2); c.1933_1935delinsTAC, p.Lys645Tyr (NM_001374791.1); c.1999_2001delAAGinsTAC (NM_001160036.1); c.1999_2001delinsTAC (NM_001160036.1); short protein forms K645Y, K652Y, K667Y.
Identifiers: ClinVar variation 1920976 (VCV001920976.6), dbSNP rs2487050998, ClinGen allele CA2580078075.
Genomic context (GRCh38, chr8:23,015,710, plus strand): 5'-TACCAGCTGGCCGACTGGTGTCTCCACCACATCTGCACCAACTACAACAACGTGTGCCGC[AAG>TAC]TTCCCCCGAGACATGAAGGCCATGTCCCCAGGTGAGCATCGGGGCCAGTCCTGGCAGTAC-3'
Protein context (NP_055993.2, residues 635-655): ICTNYNNVCR[Lys645Tyr]FPRDMKAMSP

ClinVar aggregate classification (germline): Conflicting classifications of pathogenicity. Review status: criteria provided, conflicting classifications (1 of 4 stars). 3 submissions from 3 submitters: Uncertain significance (2); Benign (1). Last evaluated 2024-12-02.

Conditions:
Inborn genetic diseases. Identifiers: MedGen C0950123, MeSH D030342.

Submissions (3):

GeneDx
Classification: Uncertain significance. Last evaluated: 2024-12-02. Review status: criteria provided, single submitter. Criteria: GeneDx Variant Classification Process June 2021. Collection method: clinical testing. Allele origin: germline. Affected: yes.
Comment: Has not been previously published as pathogenic or benign to our knowledge; Not observed at significant frequency in large population cohorts (gnomAD); In-frame event characterized by replacement of three nucleotides with three incorrect nucleotides resulting in a single missense amino acid change; In silico analysis supports a deleterious effect on protein structure/function

Labcorp Genetics (formerly Invitae), Labcorp
Classification: Benign. Last evaluated: 2023-12-21. Review status: criteria provided, single submitter. Criteria: Invitae Variant Classification Sherloc (09022015). Collection method: clinical testing. Allele origin: germline.

Ambry Genetics
Classification: Uncertain significance for Inborn genetic diseases. Last evaluated: 2022-10-07. Review status: criteria provided, single submitter. Criteria: Ambry Variant Classification Scheme 2023. Collection method: clinical testing. Allele origin: germline.
Comment: The c.1999_2001delAAGinsTAC (p.K667Y) alteration, located in exon 11 (coding exon 9) of the RHOBTB2 gene, consists of an in-frame substitution of 3 nucleotides from position 1999 to 2001, resulting in the insertion of <NA> residues. Based on insufficient or conflicting evidence, the clinical significance of this alteration remains unclear.